The following is an entry in ClinVar:

ClinVar aggregate classification (germline): Uncertain significance (1 of 4 stars; one submission).

Submission:

GeneDx
Classification: Uncertain significance. Last evaluated: 2025-05-19. Review status: criteria provided, single submitter. Criteria: GeneDx Variant Classification Process June 2021. Collection method: clinical testing. Allele origin: germline. Affected: yes.
Comment: Not observed at significant frequency in large population cohorts (gnomAD); In silico analysis supports that this missense variant has a deleterious effect on protein structure/function; Has not been previously published as pathogenic or benign to our knowledge

NM_005321.3(H1-4):c.194C>G (p.Ala65Gly)

Gene: H1-4 (H1.4 linker histone, cluster member; plus strand). Cytogenetic location: 6p22.2.
Variant type: single nucleotide variant.
Coding change: c.194C>G on transcript NM_005321.3 (MANE Select); coding-DNA position 194, C replaced by G.
Protein change: p.Ala65Gly; replaces alanine 65 with glycine.
Molecular consequence: missense variant.
Genome position (GRCh38, 1-based): chr6:26,156,584, C>G. VCF-style: chr6-26156584-C-G. GRCh37 (hg19) VCF-style: chr6-26156812-C-G.
Other names: short protein forms A65G.
Identifiers: ClinVar variation 4530957 (VCV004530957.1).